The following is an entry in ClinVar:

NM_005585.5(SMAD6):c.1393C>T (p.Arg465Cys)

Gene: SMAD6 (SMAD family member 6; plus strand). Cytogenetic location: 15q22.31.
Variant type: single nucleotide variant.
Coding change: c.1393C>T on transcript NM_005585.5 (MANE Select); coding-DNA position 1393, C replaced by T.
Protein change: p.Arg465Cys; replaces arginine 465 with cysteine.
Molecular consequence: missense variant. On other transcripts: non-coding transcript variant (1).
Genome position (GRCh38, 1-based): chr15:66,781,437, C>T. VCF-style: chr15-66781437-C-T. GRCh37 (hg19) VCF-style: chr15-67073775-C-T.
Other names: short protein forms R465C.
Identifiers: ClinVar variation 417819 (VCV000417819.10), dbSNP rs761888345, ClinGen allele CA7626812.

ClinVar aggregate classification (germline): Uncertain significance. Review status: criteria provided, multiple submitters, no conflicts (2 of 4 stars). 3 submissions from 3 submitters: Uncertain significance (2). 1 of the submissions does not count toward it. Last evaluated 2026-01-18.

Conditions:
Aortic valve disease 2 (AOVD2). Identifiers: MedGen C3542024, MONDO:0013902, OMIM 614823.
CRANIOSYNOSTOSIS 7, SUSCEPTIBILITY TO. Identifiers: MedGen C4479677.

Allele frequency attached by ClinVar (database versions not stated): ExAC 0.00001; gnomAD 0.00001; TOPMed 0.00004; gnomAD exomes 0.00006.
gnomAD v4.1: 69 of 1,605,240 alleles (0.0043%); highest among the groups gnomAD compares: Admixed American, 0.03%; no homozygotes.

Submissions (3):

Labcorp Genetics (formerly Invitae), Labcorp
Classification: Uncertain significance for Aortic valve disease 2. Last evaluated: 2026-01-18. Review status: criteria provided, single submitter. Criteria: Invitae Variant Classification Sherloc (09022015). Collection method: clinical testing. Allele origin: germline.
Comment: This sequence change replaces arginine, which is basic and polar, with cysteine, which is neutral and slightly polar, at codon 465 of the SMAD6 protein (p.Arg465Cys). This variant is present in population databases (rs761888345, gnomAD 0.04%), and has an allele count higher than expected for a pathogenic variant. This missense change has been observed in individual(s) with craniosynostosis (PMID: 27606499). ClinVar contains an entry for this variant (Variation ID: 417819). Invitae Evidence Modeling of protein sequence and biophysical properties (such as structural, functional, and spatial information, amino acid conservation, physicochemical variation, residue mobility, and thermodynamic stability) indicates that this missense variant is not expected to disrupt SMAD6 protein function with a negative predictive value of 80%. Experimental studies have shown that this missense change affects SMAD6 function (PMID: 38913236). In summary, the available evidence is currently insufficient to determine the role of this variant in disease. Therefore, it has been classified as a Variant of Uncertain Significance.

Breakthrough Genomics
Classification: Uncertain significance. Review status: criteria provided, single submitter. Criteria: ACMG Guidelines, 2015. Collection method: not provided. Allele origin: germline. Inheritance: Autosomal dominant inheritance. Affected: yes.

OMIM
Classification: risk factor for CRANIOSYNOSTOSIS 7, SUSCEPTIBILITY TO. Last evaluated: 2017-04-19. Review status: no assertion criteria provided. Collection method: literature only. Allele origin: germline. Not counted in ClinVar's aggregate classification.

Literature cited by the submitters: PubMed 27606499 (cited by Labcorp Genetics (formerly Invitae), Labcorp and OMIM); PubMed 38913236 (cited by Labcorp Genetics (formerly Invitae), Labcorp).